The following is an entry in ClinVar:

NM_002063.4(GLRA2):c.1025C>G (p.Ser342Cys)

Genes: FANCB (FA complementation group B; minus strand), GLRA2 (glycine receptor alpha 2; plus strand). Cytogenetic location: Xp22.2.
Variant type: single nucleotide variant.
Coding change: c.1025C>G on transcript NM_002063.4 (MANE Select); coding-DNA position 1025, C replaced by G.
Protein change: p.Ser342Cys; replaces serine 342 with cysteine.
Molecular consequence: missense variant.
Genome position (GRCh38, 1-based): chrX:14,690,804, C>G. VCF-style: chrX-14690804-C-G. GRCh37 (hg19) VCF-style: chrX-14708926-C-G.
Other names: c.1025C>G, p.Ser342Cys (NM_001118885.2, NM_001118886.2); c.758C>G, p.Ser253Cys (NM_001171942.2); short protein forms S253C, S342C.
Identifiers: ClinVar variation 3383176 (VCV003383176.2).

ClinVar aggregate classification (germline): Uncertain significance (1 of 4 stars; one submission).

Conditions:
Intellectual developmental disorder, X-linked, syndromic, Pilorge type. Identifiers: MedGen C5676881, MONDO:0024772, OMIM 301076.

Submission:

Juno Genomics, Hangzhou Juno Genomics, Inc
Classification: Uncertain significance for Intellectual developmental disorder, X-linked, syndromic, Pilorge type. Review status: criteria provided, single submitter. Criteria: ACMG Guidelines, 2015. Collection method: clinical testing. Allele origin: germline. Affected: yes.
Comment: Absent from controls (or at extremely low frequency if recessive) in Genome Aggregation Database, Exome Sequencing Project, 1000 Genomes Project, or Exome Aggregation Consortium.;Multiple lines of computational evidence support a deleterious effect on the gene or gene product (conservation, evolutionary, splicing impact, etc).;Patient's phenotype or family history is highly specific for a disease with a single genetic etiology.